The following is an entry in ClinVar:

NM_000074.3(CD40LG):c.270G>C (p.Gln90His)

Gene: CD40LG (CD40 ligand; plus strand). Cytogenetic location: Xq26.3.
Variant type: single nucleotide variant.
Coding change: c.270G>C on transcript NM_000074.3 (MANE Select); coding-DNA position 270, G replaced by C.
Protein change: p.Gln90His; replaces glutamine 90 with histidine.
Molecular consequence: missense variant.
Genome position (GRCh38, 1-based): chrX:136,650,379, G>C. VCF-style: chrX-136650379-G-C. GRCh37 (hg19) VCF-style: chrX-135732538-G-C.
Other names: short protein forms Q90H.
Identifiers: ClinVar variation 2700299 (VCV002700299.3), dbSNP rs2076100638, ClinGen allele CA414753582.
Genomic context (GRCh38, chrX:136,650,379, plus strand): 5'-GAGATGCAACACAGGAGAAAGATCCTTATCCTTACTGAACTGTGAGGAGATTAAAAGCCA[G>C]TTTGAAGGCTTTGTGAAGGTAAGCAGCTTAATTACTGGTAAAAGTGTCATTGAAATATTT-3'
Protein context (NP_000065.1, residues 80-100): SLLNCEEIKS[Gln90His]FEGFVKDIML

ClinVar aggregate classification (germline): Uncertain significance (1 of 4 stars; one submission).

Conditions:
Hyper-IgM syndrome type 1. Also called: Hyper-IgM Immunodeficiency Syndrome, Type 1; Immunodeficiency, X-linked, with hyper-IgM; CD40 Ligand Deficiency; X-linked hyper-IgM syndrome. Identifiers: Orphanet 101088, MedGen C0398689, MONDO:0010626, OMIM 308230.

Allele frequency attached by ClinVar (database versions not stated): gnomAD 0.00001.

Submission:

Labcorp Genetics (formerly Invitae), Labcorp
Classification: Uncertain significance for Hyper-IgM syndrome type 1. Last evaluated: 2023-06-09. Review status: criteria provided, single submitter. Criteria: Invitae Variant Classification Sherloc (09022015). Collection method: clinical testing. Allele origin: germline.
Comment: This sequence change replaces glutamine, which is neutral and polar, with histidine, which is basic and polar, at codon 90 of the CD40LG protein (p.Gln90His). In summary, the available evidence is currently insufficient to determine the role of this variant in disease. Therefore, it has been classified as a Variant of Uncertain Significance. Advanced modeling of protein sequence and biophysical properties (such as structural, functional, and spatial information, amino acid conservation, physicochemical variation, residue mobility, and thermodynamic stability) performed at Invitae indicates that this missense variant is not expected to disrupt CD40LG protein function. This variant has not been reported in the literature in individuals affected with CD40LG-related conditions. This variant is not present in population databases (gnomAD no frequency).